The following is an entry in ClinVar:

NM_007348.4(ATF6):c.247+6T>C

Gene: ATF6 (activating transcription factor 6; plus strand). Cytogenetic location: 1q23.3.
Variant type: single nucleotide variant.
Coding change: c.247+6T>C on transcript NM_007348.4 (MANE Select); 6 bases into the intron after coding-DNA position 247, T replaced by C.
Molecular consequence: intron variant.
Genome position (GRCh38, 1-based): chr1:161,782,005, T>C. VCF-style: chr1-161782005-T-C. GRCh37 (hg19) VCF-style: chr1-161751795-T-C.
Identifiers: ClinVar variation 1462336 (VCV001462336.3), dbSNP rs774498650, ClinGen allele CA1214128.

ClinVar aggregate classification (germline): Uncertain significance (1 of 4 stars; one submission).

Allele frequency attached by ClinVar (database versions not stated): gnomAD exomes below 0.00001; ExAC 0.00001; TOPMed 0.00001.
gnomAD v4.1: 3 of 1,575,828 alleles (0.00019%); highest among the groups gnomAD compares: Non-Finnish European, 0.00017%; no homozygotes.

Submission:

Labcorp Genetics (formerly Invitae), Labcorp
Classification: Uncertain significance. Last evaluated: 2021-12-07. Review status: criteria provided, single submitter. Criteria: Invitae Variant Classification Sherloc (09022015). Collection method: clinical testing. Allele origin: germline.
Comment: This sequence change falls in intron 3 of the ATF6 gene. It does not directly change the encoded amino acid sequence of the ATF6 protein. It affects a nucleotide within the consensus splice site. The frequency data for this variant in the population databases is considered unreliable, as metrics indicate poor data quality at this position in the gnomAD database. This variant has not been reported in the literature in individuals affected with ATF6-related conditions. Variants that disrupt the consensus splice site are a relatively common cause of aberrant splicing (PMID: 17576681, 9536098). Algorithms developed to predict the effect of sequence changes on RNA splicing suggest that this variant may disrupt the consensus splice site. In summary, the available evidence is currently insufficient to determine the role of this variant in disease. Therefore, it has been classified as a Variant of Uncertain Significance.

Literature cited by the submitters: PubMed 17576681; PubMed 9536098.